The following is an entry in ClinVar:

NM_000297.4(PKD2):c.1172A>G (p.Tyr391Cys)

Gene: PKD2 (polycystin 2, transient receptor potential cation channel; plus strand). Cytogenetic location: 4q22.1.
Variant type: single nucleotide variant.
Coding change: c.1172A>G on transcript NM_000297.4 (MANE Select); coding-DNA position 1172, A replaced by G.
Protein change: p.Tyr391Cys; replaces tyrosine 391 with cysteine.
Molecular consequence: missense variant. On other transcripts: non-coding transcript variant (1).
Genome position (GRCh38, 1-based): chr4:88,043,310, A>G. VCF-style: chr4-88043310-A-G. GRCh37 (hg19) VCF-style: chr4-88964462-A-G.
Other names: c.1172A>G (NM_000297.3); short protein forms Y391C.
Identifiers: ClinVar variation 2786555 (VCV002786555.6), dbSNP rs764720795, ClinGen allele CA3003901.
Genomic context (GRCh38, chr4:88,043,310, plus strand): 5'-AAAAAGACTTGAATGGTAGTAGCCACTGGGGAATCATTGCAACTTATAGTGGAGCTGGCT[A>G]TTATCTGGATTTGTCAAGAACAAGAGAGGAAACAGCTGCACAAGTTGCTAGCCTCAAGAA-3'
Protein context (NP_000288.1, residues 381-401): GIIATYSGAG[Tyr391Cys]YLDLSRTREE

ClinVar aggregate classification (germline): Uncertain significance. Review status: criteria provided, multiple submitters, no conflicts (2 of 4 stars). 3 submissions from 3 submitters: Uncertain significance (2). 1 of the submissions does not count toward it. Last evaluated 2024-05-09.

Conditions:
Polycystic kidney disease 2 (PKD2). Also called: POLYCYSTIC KIDNEY DISEASE, ADULT, TYPE II; POLYCYSTIC KIDNEY DISEASE 2 WITH OR WITHOUT POLYCYSTIC LIVER DISEASE; Polycystic Kidney Disease 2, Autosomal Dominant. Identifiers: MedGen C2751306, MONDO:0013131, OMIM 613095.
Autosomal dominant polycystic kidney disease. Identifiers: Orphanet 730, MedGen C0085413, MONDO:0004691.
PKD2-related disorder. Also called: PKD2-related condition.

Allele frequency attached by ClinVar (database versions not stated): gnomAD 0.00001; gnomAD exomes 0.00001; TOPMed 0.00001; ExAC 0.00002.
gnomAD v4.1: 8 of 1,613,320 alleles (0.0005%); highest among the groups gnomAD compares: Admixed American, 0.005%; no homozygotes.

Submissions (3):

Fulgent Genetics
Classification: Uncertain significance for Polycystic kidney disease 2. Last evaluated: 2024-05-09. Review status: criteria provided, single submitter. Criteria: ACMG Guidelines, 2015. Collection method: clinical testing. Allele origin: germline.

Labcorp Genetics (formerly Invitae), Labcorp
Classification: Uncertain significance for Autosomal dominant polycystic kidney disease. Last evaluated: 2023-05-23. Review status: criteria provided, single submitter. Criteria: Invitae Variant Classification Sherloc (09022015). Collection method: clinical testing. Allele origin: germline.
Comment: In summary, the available evidence is currently insufficient to determine the role of this variant in disease. Therefore, it has been classified as a Variant of Uncertain Significance. This sequence change replaces tyrosine, which is neutral and polar, with cysteine, which is neutral and slightly polar, at codon 391 of the PKD2 protein (p.Tyr391Cys). This variant is present in population databases (rs764720795, gnomAD 0.009%). This variant has not been reported in the literature in individuals affected with PKD2-related conditions. Advanced modeling of protein sequence and biophysical properties (such as structural, functional, and spatial information, amino acid conservation, physicochemical variation, residue mobility, and thermodynamic stability) performed at Invitae indicates that this missense variant is expected to disrupt PKD2 protein function.

PreventionGenetics, part of Exact Sciences
Classification: Uncertain significance for PKD2-related condition. Last evaluated: 2023-12-26. Review status: no assertion criteria provided. Collection method: clinical testing. Allele origin: germline. Not counted in ClinVar's aggregate classification.
Comment: The PKD2 c.1172A>G variant is predicted to result in the amino acid substitution p.Tyr391Cys. To our knowledge, this variant has not been reported in the literature. This variant is reported in 0.0087% of alleles in individuals of Latino descent in gnomAD. An alternate substitution impacting the same amino acid (p.Tyr391Asp) was reported as a likely pathogenic variant in one individual in a study of autosomal dominant polycystic kidney disease patients (Table S5, Carrera et al. 2016. PubMed ID: 27499327). At this time, the clinical significance of the c.1172A>G (p.Tyr391Cys) variant is uncertain due to the absence of conclusive functional and genetic evidence.